The following is an entry in ClinVar:

NM_004092.4(ECHS1):c.89-2A>G

Gene: ECHS1 (enoyl-CoA hydratase, short chain 1; minus strand). Cytogenetic location: 10q26.3.
Variant type: single nucleotide variant.
Coding change: c.89-2A>G on transcript NM_004092.4 (MANE Select); the canonical splice acceptor site of the intron before coding-DNA position 89, A replaced by G.
Molecular consequence: splice acceptor variant.
Genome position (GRCh38, 1-based): chr10:133,370,759, T>C on the plus strand (A>G on the coding strand, the complement: ECHS1 is on the minus strand). VCF-style: chr10-133370759-T-C. GRCh37 (hg19) VCF-style: chr10-135184263-T-C.
Identifiers: ClinVar variation 2628915 (VCV002628915.1), dbSNP rs2133443370, ClinGen allele CA378823986.

ClinVar aggregate classification (germline): Likely pathogenic (1 of 4 stars; one submission).

Conditions:
ECHS1-related disorder. Also called: ECHS1-related condition.

Allele frequency attached by ClinVar (database versions not stated): gnomAD exomes below 0.00001.
gnomAD v4.1: 6 of 1,608,252 alleles (0.00037%); highest among the groups gnomAD compares: Non-Finnish European, 0.00051%; no homozygotes.

Submission:

PreventionGenetics, part of Exact Sciences
Classification: Likely pathogenic for ECHS1-related condition. Last evaluated: 2023-05-18. Review status: criteria provided, single submitter. Criteria: ACMG Guidelines, 2015. Collection method: clinical testing. Allele origin: germline.
Comment: The ECHS1 c.89-2A>G variant is predicted to disrupt the AG splice acceptor site and interfere with normal splicing. To our knowledge, this variant has not been reported in the literature or in a large population database, indicating this variant is rare. Variants that disrupt the consensus splice acceptor site in ECHS1 are expected to be pathogenic. This variant is interpreted as likely pathogenic.